The following is an entry in ClinVar:

ClinVar aggregate classification (germline): Uncertain significance (1 of 4 stars; one submission).

Conditions:
Growth hormone insensitivity with immune dysregulation 1, autosomal recessive. Also called: GROWTH HORMONE INSENSITIVITY SYNDROME WITH IMMUNE DYSREGULATION 1, AUTOSOMAL RECESSIVE; Laron syndrome with immunodeficiency; GROWTH HORMONE INSENSITIVITY DUE TO POSTRECEPTOR DEFECT; LARON SYNDROME DUE TO POSTRECEPTOR DEFECT. Identifiers: Orphanet 220465, MedGen C5435698, MONDO:0100211, OMIM 245590.

Allele frequency attached by ClinVar (database versions not stated): gnomAD exomes below 0.00001.
gnomAD v4.1: 1 of 1,614,214 alleles (0.000062%); highest among the groups gnomAD compares: Non-Finnish European, 0.000085%; no homozygotes.

Submission:

Labcorp Genetics (formerly Invitae), Labcorp
Classification: Uncertain significance for Growth hormone insensitivity with immune dysregulation 1, autosomal recessive. Last evaluated: 2023-09-08. Review status: criteria provided, single submitter. Criteria: Invitae Variant Classification Sherloc (09022015). Collection method: clinical testing. Allele origin: germline.
Comment: This variant has not been reported in the literature in individuals affected with STAT5B-related conditions. In summary, the available evidence is currently insufficient to determine the role of this variant in disease. Therefore, it has been classified as a Variant of Uncertain Significance. Advanced modeling of protein sequence and biophysical properties (such as structural, functional, and spatial information, amino acid conservation, physicochemical variation, residue mobility, and thermodynamic stability) performed at Invitae indicates that this missense variant is not expected to disrupt STAT5B protein function. This variant is not present in population databases (gnomAD no frequency). This sequence change replaces alanine, which is neutral and non-polar, with valine, which is neutral and non-polar, at codon 716 of the STAT5B protein (p.Ala716Val).

NM_012448.4(STAT5B):c.2147C>T (p.Ala716Val)

Gene: STAT5B (signal transducer and activator of transcription 5B; minus strand). Cytogenetic location: 17q21.2.
Variant type: single nucleotide variant.
Coding change: c.2147C>T on transcript NM_012448.4 (MANE Select); coding-DNA position 2147, C replaced by T.
Protein change: p.Ala716Val; replaces alanine 716 with valine.
Molecular consequence: missense variant.
Genome position (GRCh38, 1-based): chr17:42,202,430, G>A on the plus strand (C>T on the coding strand, the complement: STAT5B is on the minus strand). VCF-style: chr17-42202430-G-A. GRCh37 (hg19) VCF-style: chr17-40354448-G-A.
Other names: short protein forms A716V.
Identifiers: ClinVar variation 2818797 (VCV002818797.3), dbSNP rs2508697948, ClinGen allele CA399573650.